The following is an entry in ClinVar:

NM_000070.3(CAPN3):c.62G>A (p.Gly21Glu)

Gene: CAPN3 (calpain 3; plus strand). Cytogenetic location: 15q15.1.
Variant type: single nucleotide variant.
Coding change: c.62G>A on transcript NM_000070.3 (MANE Select); coding-DNA position 62, G replaced by A.
Protein change: p.Gly21Glu; replaces glycine 21 with glutamic acid.
Molecular consequence: missense variant.
Genome position (GRCh38, 1-based): chr15:42,359,867, G>A. VCF-style: chr15-42359867-G-A. GRCh37 (hg19) VCF-style: chr15-42652065-G-A.
Other names: c.62G>A, p.Gly21Glu (NM_024344.2, NM_173087.2); short protein forms G21E.
Identifiers: ClinVar variation 92419 (VCV000092419.25), dbSNP rs28364364, ClinGen allele CA145724.

ClinVar aggregate classification (germline): Benign/Likely benign. Review status: criteria provided, multiple submitters, no conflicts (2 of 4 stars). 9 submissions from 9 submitters: Benign (6); Likely benign (1). 2 of the submissions do not count toward it. Last evaluated 2026-02-02.

Conditions:
Autosomal recessive limb-girdle muscular dystrophy type 2A (LGMDR1). Also called: MUSCULAR DYSTROPHY, PELVOFEMORAL; LEYDEN-MOEBIUS MUSCULAR DYSTROPHY; Limb-girdle muscular dystrophy, type 2A; Calpainopathy; Muscular dystrophy, limb-girdle, type 2A, Amish. Identifiers: Orphanet 267, MedGen C1869123, MONDO:0009675, OMIM 253600. Disease mechanism: loss of function.

Allele frequency attached by ClinVar (database versions not stated): ExAC 0.00383; gnomAD 0.01193 and 0.01108; ESP Exome Variant Server 0.01384; TOPMed 0.01319; gnomAD exomes 0.00313 and 0.00121; 1000 Genomes Project 30x 0.01390; 1000 Genomes Project 0.01278.
gnomAD v4.1: 3,530 of 1,614,104 alleles (0.22%); highest among the groups gnomAD compares: African/African-American, 3.8%; 55 homozygotes.

Submissions (9):

Labcorp Genetics (formerly Invitae), Labcorp
Classification: Benign for Autosomal recessive limb-girdle muscular dystrophy type 2A. Last evaluated: 2026-02-02. Review status: criteria provided, single submitter. Criteria: Invitae Variant Classification Sherloc (09022015). Collection method: clinical testing. Allele origin: germline.

Mayo Clinic Laboratories, Mayo Clinic
Classification: Benign. Last evaluated: 2019-07-25. Review status: criteria provided, single submitter. Criteria: ACMG Guidelines, 2015. Collection method: clinical testing. Allele origin: germline. Observed: 9 variant alleles.

Athena Diagnostics
Classification: Benign. Last evaluated: 2018-03-21. Review status: criteria provided, single submitter. Criteria: Athena Diagnostics Criteria. Collection method: clinical testing. Allele origin: germline.

Illumina Laboratory Services, Illumina
Classification: Likely benign for Limb-girdle muscular dystrophy, type 2A. Last evaluated: 2018-01-12. Review status: criteria provided, single submitter. Criteria: ICSL Variant Classification Criteria 13 December 2019. Collection method: clinical testing. Allele origin: germline.
Comment: This variant was observed in the ICSL laboratory as part of a predisposition screen in an ostensibly healthy population. It had not been previously curated by ICSL or reported in the Human Gene Mutation Database (HGMD: prior to June 1st, 2018), and was therefore a candidate for classification through an automated scoring system. Utilizing variant allele frequency, disease prevalence and penetrance estimates, and inheritance mode, an automated score was calculated to assess if this variant is too frequent to cause the disease. Based on the score and internal cut-off values, a variant classified as likely benign is not then subjected to further curation. The score for this variant resulted in a classification of likely benign for this disease.

GeneDx
Classification: Benign. Last evaluated: 2016-07-27. Review status: criteria provided, single submitter. Criteria: GeneDx Variant Classification (06012015). Collection method: clinical testing. Allele origin: germline. Affected: yes.
Comment: This variant is considered likely benign or benign based on one or more of the following criteria: it is a conservative change, it occurs at a poorly conserved position in the protein, it is predicted to be benign by multiple in silico algorithms, and/or has population frequency not consistent with disease.

Eurofins Ntd Llc (ga)
Classification: Benign. Last evaluated: 2012-08-24. Review status: criteria provided, single submitter. Criteria: EGL Classification Definitions 2015. Collection method: clinical testing. Allele origin: germline. Observed: 2 variant alleles, 2 heterozygotes.

PreventionGenetics, part of Exact Sciences
Classification: Benign. Review status: criteria provided, single submitter. Criteria: ACMG Guidelines, 2015. Collection method: clinical testing. Allele origin: germline.

Natera, Inc.
Classification: Benign for Limb-girdle muscular dystrophy type 2A. Last evaluated: 2020-06-03. Review status: no assertion criteria provided. Collection method: clinical testing. Allele origin: germline. Not counted in ClinVar's aggregate classification.

Genetic Services Laboratory, University of Chicago
Classification: Likely benign for AllHighlyPenetrant. Review status: no assertion criteria provided. Collection method: clinical testing. Allele origin: germline. Inheritance: Autosomal recessive inheritance. Not counted in ClinVar's aggregate classification.
Comment: Likely benign based on allele frequency in 1000 Genomes Project or ESP global frequency and its presence in a patient with a rare or unrelated disease phenotype. NOT Sanger confirmed.